The following is an entry in ClinVar:

ClinVar aggregate classification (germline): Uncertain significance (1 of 4 stars; one submission).

Conditions:
Hereditary sensory and autonomic neuropathy type 6. Also called: Neuropathy, hereditary sensory and autonomic, type VI; HSAN VI. Identifiers: Orphanet 314381, MedGen C3539003, MONDO:0013839, OMIM 614653.
Epidermolysis bullosa simplex 3, localized or generalized intermediate, with BP230 deficiency (EBS3). Also called: Epidermolysis bullosa simplex due to BP230 deficiency; Epidermolysis bullosa simplex, autosomal recessive 2. Identifiers: Orphanet 412181, MedGen C3809470, MONDO:0014180, OMIM 615425.

Allele frequency attached by ClinVar (database versions not stated): gnomAD 0.00001; TOPMed 0.00001; ExAC 0.00002.
gnomAD v4.1: 25 of 1,613,820 alleles (0.0015%); highest among the groups gnomAD compares: East Asian, 0.0045%; no homozygotes.

Submission:

Labcorp Genetics (formerly Invitae), Labcorp
Classification: Uncertain significance for Epidermolysis bullosa simplex 3, localized or generalized intermediate, with BP230 deficiency; Hereditary sensory and autonomic neuropathy type 6. Last evaluated: 2022-08-07. Review status: criteria provided, single submitter. Criteria: Invitae Variant Classification Sherloc (09022015). Collection method: clinical testing. Allele origin: germline.
Comment: In summary, the available evidence is currently insufficient to determine the role of this variant in disease. Therefore, it has been classified as a Variant of Uncertain Significance. Experimental studies and prediction algorithms are not available or were not evaluated, and the effect of this variant on mRNA splicing is currently unknown. This variant has not been reported in the literature in individuals affected with DST-related conditions. This variant is present in population databases (rs745540005, gnomAD 0.02%). This sequence change affects codon 4576 of the DST mRNA. It is a 'silent' change, meaning that it does not change the encoded amino acid sequence of the DST protein. The DST gene has multiple clinically relevant transcripts. This variant occurs in alternate transcript NM_015548.4, and corresponds to NM_001723.5:c.*138094C>T in the primary transcript.

NM_001374736.1(DST):c.21597C>T (p.Thr7199=)

Gene: DST (dystonin; minus strand). Cytogenetic location: 6p12.1.
Variant type: single nucleotide variant.
Coding change: c.21597C>T on transcript NM_001374736.1 (MANE Select); coding-DNA position 21597, C replaced by T.
Protein change: p.Thr7199=; no amino-acid change (threonine 7199 retained).
Molecular consequence: synonymous variant.
Genome position (GRCh38, 1-based): chr6:56,477,423, G>A on the plus strand (C>T on the coding strand, the complement: DST is on the minus strand). VCF-style: chr6-56477423-G-A. GRCh37 (hg19) VCF-style: chr6-56342221-G-A.
Other names: c.15240C>T, p.Thr5080= (NM_001144769.5); c.14826C>T, p.Thr4942= (NM_001144770.2); c.21597C>T, p.Thr7199= (NM_001374722.1); c.20637C>T, p.Thr6879= (NM_001374729.1); c.14379C>T, p.Thr4793= (NM_001374730.1); c.21624C>T, p.Thr7208= (NM_001374734.1); c.14706C>T, p.Thr4902= (NM_001386100.1, NM_183380.4); c.13728C>T, p.Thr4576= (NM_015548.5).
Identifiers: ClinVar variation 2146312 (VCV002146312.2), dbSNP rs745540005, ClinGen allele CA3866429.